The following is an entry in ClinVar:

ClinVar aggregate classification (germline): Uncertain significance (1 of 4 stars; one submission).

gnomAD v4.1: 1 of 1,601,250 alleles (0.000062%); highest among the groups gnomAD compares: Non-Finnish European, 0.000085%; no homozygotes.

Submission:

Labcorp Genetics (formerly Invitae), Labcorp
Classification: Uncertain significance. Last evaluated: 2025-05-17. Review status: criteria provided, single submitter. Criteria: Invitae Variant Classification Sherloc (09022015). Collection method: clinical testing. Allele origin: germline.
Comment: This sequence change replaces phenylalanine, which is neutral and non-polar, with valine, which is neutral and non-polar, at codon 56 of the WASF1 protein (p.Phe56Val). This variant is present in population databases (no rsID available, gnomAD 0.007%). This variant has not been reported in the literature in individuals affected with WASF1-related conditions. An algorithm developed to predict the effect of missense changes on protein structure and function outputs the following: PolyPhen-2: "Not Available". In summary, the available evidence is currently insufficient to determine the role of this variant in disease. Therefore, it has been classified as a Variant of Uncertain Significance.

NM_003931.3(WASF1):c.166T>G (p.Phe56Val)

Gene: WASF1 (WASP family member 1; minus strand). Cytogenetic location: 6q21.
Variant type: single nucleotide variant.
Coding change: c.166T>G on transcript NM_003931.3 (MANE Select); coding-DNA position 166, T replaced by G.
Protein change: p.Phe56Val; replaces phenylalanine 56 with valine.
Molecular consequence: missense variant.
Genome position (GRCh38, 1-based): chr6:110,113,428, A>C on the plus strand (T>G on the coding strand, the complement: WASF1 is on the minus strand). VCF-style: chr6-110113428-A-C. GRCh37 (hg19) VCF-style: chr6-110434631-A-C.
Other names: c.166T>G, p.Phe56Val (NM_001024934.2, NM_001024935.2, NM_001024936.2); short protein forms F56V.
Identifiers: ClinVar variation 4768295 (VCV004768295.1).